The following is an entry in ClinVar:

NM_212482.4(FN1):c.5537G>A (p.Arg1846Gln)

Gene: FN1 (fibronectin 1; minus strand). Cytogenetic location: 2q35.
Variant type: single nucleotide variant.
Coding change: c.5537G>A on transcript NM_212482.4 (MANE Select); coding-DNA position 5537, G replaced by A.
Protein change: p.Arg1846Gln; replaces arginine 1846 with glutamine.
Molecular consequence: missense variant.
Genome position (GRCh38, 1-based): chr2:215,379,215, C>T on the plus strand (G>A on the coding strand, the complement: FN1 is on the minus strand). VCF-style: chr2-215379215-C-T. GRCh37 (hg19) VCF-style: chr2-216243938-C-T.
Other names: c.5537G>A, p.Arg1846Gln (NM_001306129.2); c.5267G>A, p.Arg1756Gln (NM_001306130.2, NM_001365517.2, NM_001365519.2 and 2 more transcripts); c.4994G>A, p.Arg1665Gln (NM_001306131.2, NM_001306132.2, NM_001365523.2 and 2 more transcripts); c.5264G>A, p.Arg1755Gln (NM_001365518.2, NM_001365520.2, NM_001365524.2 and 2 more transcripts); c.5537G>A (NM_212482.2); short protein forms R1756Q, R1846Q, R1665Q, R1755Q.
Identifiers: ClinVar variation 1897169 (VCV001897169.7), dbSNP rs569874287, ClinGen allele CA2094120.

ClinVar aggregate classification (germline): Uncertain significance. Review status: criteria provided, multiple submitters, no conflicts (2 of 4 stars). 3 submissions from 3 submitters: Uncertain significance (3). Last evaluated 2025-11-24.

Conditions:
Glomerulopathy with fibronectin deposits 2 (GFND2). Identifiers: Orphanet 84090, MedGen C1866075, MONDO:0011165, OMIM 601894.
Spondylometaphyseal dysplasia - Sutcliffe type. Also called: Spondylometaphyseal Dysplasia, Corner Fracture Type; Spondylometaphyseal dysplasia, 'corner fracture' type; Sutcliffe type of spondylometaphyseal dysplasia; Sutcliffe SMD. Identifiers: Orphanet 93315, MedGen C0432221, MONDO:0008479, OMIM 184255.
FN1-related disorder. Also called: FN1-related condition.

Allele frequency attached by ClinVar (database versions not stated): gnomAD exomes 0.00001; TOPMed 0.00001; ExAC 0.00002; 1000 Genomes Project 30x 0.00016; 1000 Genomes Project 0.00020.
gnomAD v4.1: 13 of 1,614,068 alleles (0.00081%); highest among the groups gnomAD compares: South Asian, 0.0044%; no homozygotes.

Submissions (3):

PreventionGenetics, part of Exact Sciences
Classification: Uncertain significance for FN1-related condition. Last evaluated: 2025-11-24. Review status: criteria provided, single submitter. Criteria: ACMG Guidelines, 2015. Collection method: clinical testing. Allele origin: germline.
Comment: The FN1 c.5537G>A variant is predicted to result in the amino acid substitution p.Arg1846Gln. To our knowledge, this variant has not been reported in the literature. This variant is reported in 0.0098% of alleles in individuals of South Asian descent in gnomAD. At this time, the clinical significance of this variant is uncertain due to the absence of conclusive functional and genetic evidence.

Fulgent Genetics
Classification: Uncertain significance for Spondylometaphyseal dysplasia - Sutcliffe type; Glomerulopathy with fibronectin deposits 2. Last evaluated: 2024-02-10. Review status: criteria provided, single submitter. Criteria: ACMG Guidelines, 2015. Collection method: clinical testing. Allele origin: germline.

Labcorp Genetics (formerly Invitae), Labcorp
Classification: Uncertain significance. Last evaluated: 2022-09-13. Review status: criteria provided, single submitter. Criteria: Invitae Variant Classification Sherloc (09022015). Collection method: clinical testing. Allele origin: germline.
Comment: In summary, the available evidence is currently insufficient to determine the role of this variant in disease. Therefore, it has been classified as a Variant of Uncertain Significance. Algorithms developed to predict the effect of missense changes on protein structure and function are either unavailable or do not agree on the potential impact of this missense change (SIFT: "Not Available"; PolyPhen-2: "Benign"; Align-GVGD: "Not Available"). This variant has not been reported in the literature in individuals affected with FN1-related conditions. This variant is present in population databases (rs569874287, gnomAD 0.01%). This sequence change replaces arginine, which is basic and polar, with glutamine, which is neutral and polar, at codon 1846 of the FN1 protein (p.Arg1846Gln).